The following is an entry in ClinVar:

ClinVar aggregate classification (germline): Uncertain significance (1 of 4 stars; one submission).

Conditions:
Autosomal recessive mendelian susceptibility to mycobacterial diseases due to complete RORgamma receptor deficiency. Also called: Immunodeficiency 42. Identifiers: Orphanet 477857, MedGen C5567647, MONDO:0014710, OMIM 616622.

Allele frequency attached by ClinVar (database versions not stated): gnomAD exomes 0.00001.

Submission:

Labcorp Genetics (formerly Invitae), Labcorp
Classification: Uncertain significance for Autosomal recessive mendelian susceptibility to mycobacterial diseases due to complete RORgamma receptor deficiency. Last evaluated: 2022-08-15. Review status: criteria provided, single submitter. Criteria: Invitae Variant Classification Sherloc (09022015). Collection method: clinical testing. Allele origin: germline.
Comment: This sequence change replaces asparagine, which is neutral and polar, with serine, which is neutral and polar, at codon 196 of the RORC protein (p.Asn196Ser). This variant is not present in population databases (gnomAD no frequency). This variant has not been reported in the literature in individuals affected with RORC-related conditions. ClinVar contains an entry for this variant (Variation ID: 1486400). Algorithms developed to predict the effect of missense changes on protein structure and function output the following: SIFT: "Tolerated"; PolyPhen-2: "Benign"; Align-GVGD: "Class C0". The serine amino acid residue is found in multiple mammalian species, which suggests that this missense change does not adversely affect protein function. In summary, the available evidence is currently insufficient to determine the role of this variant in disease. Therefore, it has been classified as a Variant of Uncertain Significance.

NM_005060.4(RORC):c.587A>G (p.Asn196Ser)

Gene: RORC (RAR related orphan receptor C; minus strand). Cytogenetic location: 1q21.3.
Variant type: single nucleotide variant.
Coding change: c.587A>G on transcript NM_005060.4 (MANE Select); coding-DNA position 587, A replaced by G.
Protein change: p.Asn196Ser; replaces asparagine 196 with serine.
Molecular consequence: missense variant.
Genome position (GRCh38, 1-based): chr1:151,815,137, T>C on the plus strand (A>G on the coding strand, the complement: RORC is on the minus strand). VCF-style: chr1-151815137-T-C. GRCh37 (hg19) VCF-style: chr1-151787613-T-C.
Other names: c.524A>G, p.Asn175Ser (NM_001001523.2); short protein forms N175S, N196S.
Identifiers: ClinVar variation 1486400 (VCV001486400.5), dbSNP rs201163910, ClinGen allele CA30498379.
Genomic context (GRCh38, chr1:151,815,137, plus strand): 5'-CTCTCTCTGCCCTCAGCCTTGCCCCGCTCAGGGCTGTATTCAAGGTGGCATGAGGCCCCA[T>C]TGAGCCCTGCCTTGGCCAAGTTGTTGGAATATGAGGGCCCAGAGCCTGAGGCTTTCAGGA-3'
Protein context (NP_005051.2, residues 186-206): YSNNLAKAGL[Asn196Ser]GASCHLEYSP